The following is an entry in ClinVar:

ClinVar aggregate classification (germline): Uncertain significance (1 of 4 stars; one submission).

Conditions:
Severe early-onset pulmonary alveolar proteinosis due to MARS deficiency. Also called: PULMONARY ALVEOLAR PROTEINOSIS, REUNION ISLAND; Interstitial lung and liver disease. Identifiers: Orphanet 440427, MedGen C4225400, MONDO:0014206, OMIM 615486.
Charcot-Marie-Tooth disease axonal type 2U. Also called: CHARCOT-MARIE-TOOTH NEUROPATHY, TYPE 2U; CHARCOT-MARIE-TOOTH DISEASE, AXONAL, AUTOSOMAL DOMINANT, TYPE 2U. Identifiers: Orphanet 397735, MedGen C4084821, MONDO:0014566, OMIM 616280.

Allele frequency attached by ClinVar (database versions not stated): gnomAD exomes below 0.00001; ExAC 0.00001.
gnomAD v4.1: 1 of 1,613,980 alleles (0.000062%); highest among the groups gnomAD compares: South Asian, 0.0011%; no homozygotes.

Submission:

Labcorp Genetics (formerly Invitae), Labcorp
Classification: Uncertain significance for Charcot-Marie-Tooth disease axonal type 2U; Severe early-onset pulmonary alveolar proteinosis due to MARS deficiency. Last evaluated: 2023-03-19. Review status: criteria provided, single submitter. Criteria: Invitae Variant Classification Sherloc (09022015). Collection method: clinical testing. Allele origin: germline.
Comment: In summary, the available evidence is currently insufficient to determine the role of this variant in disease. Therefore, it has been classified as a Variant of Uncertain Significance. This sequence change replaces proline, which is neutral and non-polar, with arginine, which is basic and polar, at codon 46 of the MARS protein (p.Pro46Arg). This variant is present in population databases (rs767326124, gnomAD 0.003%). This variant has not been reported in the literature in individuals affected with MARS-related conditions. An algorithm developed to predict the effect of missense changes on protein structure and function (PolyPhen-2) suggests that this variant is likely to be tolerated.

NM_004990.4(MARS1):c.137C>G (p.Pro46Arg)

Gene: MARS1 (methionyl-tRNA synthetase 1; plus strand). Cytogenetic location: 12q13.3.
Variant type: single nucleotide variant.
Coding change: c.137C>G on transcript NM_004990.4 (MANE Select); coding-DNA position 137, C replaced by G.
Protein change: p.Pro46Arg; replaces proline 46 with arginine.
Molecular consequence: missense variant.
Genome position (GRCh38, 1-based): chr12:57,489,046, C>G. VCF-style: chr12-57489046-C-G. GRCh37 (hg19) VCF-style: chr12-57882829-C-G.
Other names: short protein forms P46R.
Identifiers: ClinVar variation 2945493 (VCV002945493.3), dbSNP rs767326124, ClinGen allele CA6650053.